The following is an entry in ClinVar:

NM_000138.5(FBN1):c.6145A>C (p.Ser2049Arg)

Gene: FBN1 (fibrillin 1; minus strand). Cytogenetic location: 15q21.1.
Variant type: single nucleotide variant.
Coding change: c.6145A>C on transcript NM_000138.5 (MANE Select); coding-DNA position 6145, A replaced by C.
Protein change: p.Ser2049Arg; replaces serine 2049 with arginine.
Molecular consequence: missense variant.
Genome position (GRCh38, 1-based): chr15:48,441,739, T>G on the plus strand (A>C on the coding strand, the complement: FBN1 is on the minus strand). VCF-style: chr15-48441739-T-G. GRCh37 (hg19) VCF-style: chr15-48733936-T-G.
Other names: short protein forms S2049R.
Identifiers: ClinVar variation 1698573 (VCV001698573.9), dbSNP rs1597529691, ClinGen allele CA392338005.

ClinVar aggregate classification (germline): Uncertain significance. Review status: criteria provided, multiple submitters, no conflicts (2 of 4 stars). 2 submissions from 2 submitters: Uncertain significance (2). Last evaluated 2025-07-01.

Submissions (2):

CeGaT Center for Human Genetics Tuebingen
Classification: Uncertain significance. Last evaluated: 2025-07-01. Review status: criteria provided, single submitter. Criteria: CeGaT Center For Human Genetics Tuebingen Variant Classification Criteria Version 2. Collection method: clinical testing. Allele origin: germline. Affected: yes. Observed: 1 variant allele.
Comment: FBN1: PM2, BP4

Women's Health and Genetics/Laboratory Corporation of America, LabCorp
Classification: Uncertain significance. Last evaluated: 2022-06-16. Review status: criteria provided, single submitter. Criteria: LabCorp Variant Classification Summary - May 2015. Collection method: clinical testing. Allele origin: germline.
Comment: Variant summary: FBN1 c.6145A>C (p.Ser2049Arg) results in a non-conservative amino acid change located in the EGF-like domain (IPR000742) of the encoded protein sequence. Three of five in-silico tools predict a damaging effect of the variant on protein function. The variant was absent in 251010 control chromosomes (gnomAD). The available data on variant occurrences in the general population are insufficient to allow any conclusion about variant significance. To our knowledge, no occurrence of c.6145A>C in individuals affected with Marfan Syndrome and no experimental evidence demonstrating its impact on protein function have been reported. No clinical diagnostic laboratories have submitted clinical-significance assessments for this variant to ClinVar after 2014. Based on the evidence outlined above, the variant was classified as uncertain significance.